The following is an entry in ClinVar:

NM_152564.5(VPS13B):c.9331-3T>C

Gene: VPS13B (vacuolar protein sorting 13 homolog B; plus strand). Cytogenetic location: 8q22.2.
Variant type: single nucleotide variant.
Coding change: c.9331-3T>C on transcript NM_152564.5 (MANE Select); 3 bases into the intron before coding-DNA position 9331, T replaced by C.
Molecular consequence: intron variant.
Genome position (GRCh38, 1-based): chr8:99,832,366, T>C. VCF-style: chr8-99832366-T-C. GRCh37 (hg19) VCF-style: chr8-100844594-T-C.
Other names: c.9406-3T>C (NM_017890.5); c.9331-3T>C (NM_152564.4).
Identifiers: ClinVar variation 3722766 (VCV003722766.3).

ClinVar aggregate classification (germline): Conflicting classifications of pathogenicity. Review status: criteria provided, conflicting classifications (1 of 4 stars). 2 submissions from 2 submitters: Uncertain significance (1); Likely benign (1). Last evaluated 2025-01-02.

Conditions:
VPS13B-related disorder. Also called: VPS13B-related condition.
Cohen syndrome (COH1). Also called: PEPPER SYNDROME; Cutis verticis gyrata, retinitis pigmentosa, and sensorineural deafness. Identifiers: Orphanet 193, MedGen C0265223, MONDO:0008999, OMIM 216550.

Submissions (2):

PreventionGenetics, part of Exact Sciences
Classification: Likely benign for VPS13B-related condition. Last evaluated: 2025-01-02. Review status: criteria provided, single submitter. Criteria: ACMG Guidelines, 2015. Collection method: clinical testing. Allele origin: germline.
Comment: This variant is classified as likely benign based on ACMG/AMP sequence variant interpretation guidelines (Richards et al. 2015 PMID: 25741868, with internal and published modifications).

Labcorp Genetics (formerly Invitae), Labcorp
Classification: Uncertain significance for Cohen syndrome. Last evaluated: 2024-12-15. Review status: criteria provided, single submitter. Criteria: Invitae Variant Classification Sherloc (09022015). Collection method: clinical testing. Allele origin: germline.
Comment: This sequence change falls in intron 51 of the VPS13B gene. It does not directly change the encoded amino acid sequence of the VPS13B protein. It affects a nucleotide within the consensus splice site. This variant is not present in population databases (gnomAD no frequency). This variant has not been reported in the literature in individuals affected with VPS13B-related conditions. Variants that disrupt the consensus splice site are a relatively common cause of aberrant splicing (PMID: 17576681, 9536098). Algorithms developed to predict the effect of sequence changes on RNA splicing suggest that this variant is not likely to affect RNA splicing. In summary, the available evidence is currently insufficient to determine the role of this variant in disease. Therefore, it has been classified as a Variant of Uncertain Significance.

Literature cited by the submitters: PubMed 17576681 (cited by Labcorp Genetics (formerly Invitae), Labcorp); PubMed 9536098 (cited by Labcorp Genetics (formerly Invitae), Labcorp).